The following is an entry in ClinVar:

NM_001382430.1(AKT1):c.176-5C>A

Gene: AKT1 (AKT serine/threonine kinase 1; minus strand). Cytogenetic location: 14q32.33.
Variant type: single nucleotide variant.
Coding change: c.176-5C>A on transcript NM_001382430.1 (MANE Select); 5 bases into the intron before coding-DNA position 176, C replaced by A.
Molecular consequence: intron variant.
Genome position (GRCh38, 1-based): chr14:104,776,775, G>T on the plus strand (C>A on the coding strand, the complement: AKT1 is on the minus strand). VCF-style: chr14-104776775-G-T. GRCh37 (hg19) VCF-style: chr14-105243112-G-T.
Other names: c.176-5C>A (NM_001014431.2, NM_001014432.2, NM_001382433.1 and 3 more transcripts).
Identifiers: ClinVar variation 584876 (VCV000584876.12), dbSNP rs377076374, ClinGen allele CA7374863.

ClinVar aggregate classification (germline): Uncertain significance. Review status: criteria provided, multiple submitters, no conflicts (2 of 4 stars). 4 submissions from 4 submitters: Uncertain significance (4). Last evaluated 2024-03-05.

Conditions:
Cowden syndrome 6 (CWS6). Identifiers: Orphanet 201, MedGen C3554519, MONDO:0014048, OMIM 615109.
Familial cancer of breast. Also called: hereditary breast carcinoma; BREAST CANCER, FAMILIAL; Hereditary breast cancer. Identifiers: Orphanet 227535, MedGen C0346153, MONDO:0016419, OMIM 114480. Disease mechanism: loss of function.
Colorectal cancer. Also called: Malignant Colorectal Neoplasm; Colorectal cancer, somatic. Identifiers: MedGen C0346629, MONDO:0005575, OMIM 114500.
Ovarian cancer. Also called: OVARIAN CANCER, SOMATIC. Identifiers: Orphanet 213500, MedGen C1140680, MONDO:0008170, OMIM 167000.
Proteus syndrome. Also called: Hemihypertrophy and macrocephaly; Partial gigantism of hands and feet, nevi, hemihypertrophy, macrocephaly; PROTEUS SYNDROME, SOMATIC; GIGANTISM, PARTIAL, OF HANDS AND FEET, NEVI, HEMIHYPERTROPHY, AND MACROCEPHALY; ELATTOPROTEUS SYNDROME; Macrocephaly mesodermal hamartoma spectrum. Identifiers: Orphanet 744, MedGen C0085261, MONDO:0008318, OMIM 176920. Disease mechanism: gain of function, loss of function.

Allele frequency attached by ClinVar (database versions not stated): ExAC 0.00003; TOPMed 0.00004; ESP Exome Variant Server 0.00008.
gnomAD v4.1: 25 of 1,611,306 alleles (0.0016%); highest among the groups gnomAD compares: Admixed American, 0.005%; no homozygotes.

Submissions (5):

Fulgent Genetics
Classification: Uncertain significance for Familial cancer of breast; Colorectal cancer; Ovarian cancer; Proteus syndrome; Cowden syndrome 6. Last evaluated: 2024-03-05. Review status: criteria provided, single submitter. Criteria: ACMG Guidelines, 2015. Collection method: clinical testing. Allele origin: germline.

ARUP Laboratories, Molecular Genetics and Genomics, ARUP Laboratories
Classification: Uncertain significance. Last evaluated: 2023-05-05. Review status: criteria provided, single submitter. Criteria: ARUP Molecular Germline Variant Investigation Process 2024. Collection method: clinical testing. Allele origin: germline.
Comment: The AKT1 c.176-5C>A variant (rs377076374) is reported in the literature in one individual affected with vascular anomalies (Mattassi 2018). This variant is found in the non-Finnish European population with an allele frequency of 0.004% (4/111918 alleles) in the Genome Aggregation Database. This is an intronic variant in a weakly conserved nucleotide but computational analyses (Alamut Visual Plus v.1.5.1) predict that this variant may impact splicing by weakening the nearby canonical acceptor splice site. Due to limited information, the clinical significance of the c.176-5C>A variant is uncertain at this time. References: Mattassi R et al. Variant discovery in patients with Mendelian vascular anomalies by next-generation sequencing and their use in patient clinical management. J Vasc Surg. 2018 Mar;67(3):922-932.e11. PMID: 28655553.

Labcorp Genetics (formerly Invitae), Labcorp
Classification: Uncertain significance for Cowden syndrome 6. Last evaluated: 2022-07-22. Review status: criteria provided, single submitter. Criteria: Invitae Variant Classification Sherloc (09022015). Collection method: clinical testing. Allele origin: germline.
Comment: This sequence change falls in intron 3 of the AKT1 gene. It does not directly change the encoded amino acid sequence of the AKT1 protein. This variant is present in population databases (rs377076374, gnomAD 0.005%). This variant has been observed in individual(s) with vascular anomalies (PMID: 28655553). ClinVar contains an entry for this variant (Variation ID: 584876). Algorithms developed to predict the effect of sequence changes on RNA splicing suggest that this variant may create or strengthen a splice site. In summary, the available evidence is currently insufficient to determine the role of this variant in disease. Therefore, it has been classified as a Variant of Uncertain Significance.

Mendelics
Classification: Uncertain significance for Cowden syndrome 6. Last evaluated: 2018-07-02. Review status: criteria provided, single submitter. Criteria: Mendelics Assertion Criteria 2017. Collection method: clinical testing. Allele origin: unknown.

Dr. Peter K. Rogan Lab, Western University
No classification provided (evidence only). Condition: Malignant tumor of esophagus. Review status: no classification provided. Collection method: in vitro. Allele origin: not applicable. Functional consequence: retained intron. Not counted in ClinVar's aggregate classification.

Literature cited by the submitters: PubMed 28655553 (cited by Labcorp Genetics (formerly Invitae), Labcorp).